The following is an entry in ClinVar:

NM_001084.5(PLOD3):c.560A>G (p.Asp187Gly)

Gene: PLOD3 (procollagen-lysine,2-oxoglutarate 5-dioxygenase 3; minus strand). Cytogenetic location: 7q22.1.
Variant type: single nucleotide variant.
Coding change: c.560A>G on transcript NM_001084.5 (MANE Select); coding-DNA position 560, A replaced by G.
Protein change: p.Asp187Gly; replaces aspartic acid 187 with glycine.
Molecular consequence: missense variant.
Genome position (GRCh38, 1-based): chr7:101,215,963, T>C on the plus strand (A>G on the coding strand, the complement: PLOD3 is on the minus strand). VCF-style: chr7-101215963-T-C. GRCh37 (hg19) VCF-style: chr7-100859244-T-C.
Other names: short protein forms D187G.
Identifiers: ClinVar variation 973081 (VCV000973081.8), dbSNP rs929219335, ClinGen allele CA163353689.

ClinVar aggregate classification (germline): Uncertain significance. Review status: criteria provided, multiple submitters, no conflicts (2 of 4 stars). 2 submissions from 2 submitters: Uncertain significance (2). Last evaluated 2022-06-28.

Conditions:
PLOD3-related disorder. Also called: PLOD3-related condition.

Allele frequency attached by ClinVar (database versions not stated): gnomAD 0.00001; gnomAD exomes 0.00001; TOPMed 0.00001.

Submissions (2):

Labcorp Genetics (formerly Invitae), Labcorp
Classification: Uncertain significance. Last evaluated: 2022-06-28. Review status: criteria provided, single submitter. Criteria: Invitae Variant Classification Sherloc (09022015). Collection method: clinical testing. Allele origin: germline.
Comment: This sequence change replaces aspartic acid, which is acidic and polar, with glycine, which is neutral and non-polar, at codon 187 of the PLOD3 protein (p.Asp187Gly). This variant is present in population databases (no rsID available, gnomAD 0.002%). This variant has not been reported in the literature in individuals affected with PLOD3-related conditions. ClinVar contains an entry for this variant (Variation ID: 973081). Algorithms developed to predict the effect of missense changes on protein structure and function (SIFT, PolyPhen-2, Align-GVGD) all suggest that this variant is likely to be disruptive. Algorithms developed to predict the effect of sequence changes on RNA splicing suggest that this variant may create or strengthen a splice site. In summary, the available evidence is currently insufficient to determine the role of this variant in disease. Therefore, it has been classified as a Variant of Uncertain Significance.

GeneDx
Classification: Uncertain significance. Last evaluated: 2020-12-28. Review status: criteria provided, single submitter. Criteria: GeneDx Variant Classification Process June 2021. Collection method: clinical testing. Allele origin: germline. Affected: yes.
Comment: Not observed at a significant frequency in large population cohorts (Lek et al., 2016); In silico analysis supports that this missense variant has a deleterious effect on protein structure/function; Has not been previously published as pathogenic or benign to our knowledge